The following is an entry in ClinVar:

NM_001042750.2(STAG2):c.1678A>G (p.Arg560Gly)

Gene: STAG2 (STAG2 cohesin complex component; plus strand). Cytogenetic location: Xq25.
Variant type: single nucleotide variant.
Coding change: c.1678A>G on transcript NM_001042750.2 (MANE Select); coding-DNA position 1678, A replaced by G.
Protein change: p.Arg560Gly; replaces arginine 560 with glycine.
Molecular consequence: missense variant.
Genome position (GRCh38, 1-based): chrX:124,062,941, A>G. VCF-style: chrX-124062941-A-G. GRCh37 (hg19) VCF-style: chrX-123196791-A-G.
Other names: c.1678A>G, p.Arg560Gly (NM_001042749.2, NM_001042751.2, NM_001282418.2 and 13 more transcripts); short protein forms R560G.
Identifiers: ClinVar variation 3776463 (VCV003776463.1).
Genomic context (GRCh38, chrX:124,062,941, plus strand): 5'-GAAGTCTTTCTGTTCCTTTAGGTGCTTACAGCAAAGGAGAAGAAGACACAGTTGGATGAT[A>G]GGACAAAAATCACTGAGCTTTTTGCCGTGGCCCTTCCTCAGTTATTAGCAAAAGTAAGTT-3'
Protein context (NP_001036215.1, residues 550-570): AKEKKTQLDD[Arg560Gly]TKITELFAVA

ClinVar aggregate classification (germline): Uncertain significance (1 of 4 stars; one submission).

Submission:

GeneDx
Classification: Uncertain significance. Last evaluated: 2024-10-01. Review status: criteria provided, single submitter. Criteria: GeneDx Variant Classification Process June 2021. Collection method: clinical testing. Allele origin: germline. Affected: yes.
Comment: Not observed at significant frequency in large population cohorts (gnomAD); In silico analysis supports that this missense variant has a deleterious effect on protein structure/function; Has not been previously published as pathogenic or benign to our knowledge